The following is an entry in ClinVar:

NM_000426.4(LAMA2):c.7030G>T (p.Asp2344Tyr)

Gene: LAMA2 (laminin subunit alpha 2; plus strand). Cytogenetic location: 6q22.33.
Variant type: single nucleotide variant.
Coding change: c.7030G>T on transcript NM_000426.4 (MANE Select); coding-DNA position 7030, G replaced by T.
Protein change: p.Asp2344Tyr; replaces aspartic acid 2344 with tyrosine.
Molecular consequence: missense variant.
Genome position (GRCh38, 1-based): chr6:129,464,327, G>T. VCF-style: chr6-129464327-G-T. GRCh37 (hg19) VCF-style: chr6-129785472-G-T.
Other names: c.7030G>T, p.Asp2344Tyr (NM_001079823.2); short protein forms D2344Y.
Identifiers: ClinVar variation 1389422 (VCV001389422.5), dbSNP rs778271978, ClinGen allele CA3994423.
Genomic context (GRCh38, chr6:129,464,327, plus strand): 5'-ATGTGAAATGTCTCTCTTCTCAGTCCTCAGGTGGAAGATAGTGAGGGGACTATTCAATTT[G>T]ATGGAGAAGGTTATGCATTGGTCAGCCGTCCCATTCGCTGGTACCCCAACATCTCCACTG-3'
Protein context (NP_000417.3, residues 2334-2354): VEDSEGTIQF[Asp2344Tyr]GEGYALVSRP

ClinVar aggregate classification (germline): Uncertain significance (1 of 4 stars; one submission).

Conditions:
LAMA2-related muscular dystrophy (LAMA2-RD). Also called: Laminin alpha 2-related dystrophy. Identifiers: MedGen C5679788, MONDO:0100228.

Allele frequency attached by ClinVar (database versions not stated): gnomAD exomes below 0.00001; ExAC 0.00001; gnomAD 0.00001.
gnomAD v4.1: 2 of 1,612,070 alleles (0.00012%); highest among the groups gnomAD compares: African/African-American, 0.0013%; no homozygotes.

Submission:

Labcorp Genetics (formerly Invitae), Labcorp
Classification: Uncertain significance for LAMA2-related muscular dystrophy. Last evaluated: 2021-09-30. Review status: criteria provided, single submitter. Criteria: Invitae Variant Classification Sherloc (09022015). Collection method: clinical testing. Allele origin: germline.
Comment: This sequence change replaces aspartic acid with tyrosine at codon 2344 of the LAMA2 protein (p.Asp2344Tyr). The aspartic acid residue is moderately conserved and there is a large physicochemical difference between aspartic acid and tyrosine. This variant is present in population databases (rs778271978, ExAC 0.006%). This variant has not been reported in the literature in individuals affected with LAMA2-related conditions. Algorithms developed to predict the effect of missense changes on protein structure and function are either unavailable or do not agree on the potential impact of this missense change (SIFT: "Deleterious"; PolyPhen-2: "Probably Damaging"; Align-GVGD: "Class C0"). In summary, the available evidence is currently insufficient to determine the role of this variant in disease. Therefore, it has been classified as a Variant of Uncertain Significance.